The following is an entry in ClinVar:

NM_014141.6(CNTNAP2):c.2399C>A (p.Ala800Asp)

Gene: CNTNAP2 (contactin associated protein 2; plus strand). Cytogenetic location: 7q35.
Variant type: single nucleotide variant.
Coding change: c.2399C>A on transcript NM_014141.6 (MANE Select); coding-DNA position 2399, C replaced by A.
Protein change: p.Ala800Asp; replaces alanine 800 with aspartic acid.
Molecular consequence: missense variant.
Genome position (GRCh38, 1-based): chr7:148,118,133, C>A. VCF-style: chr7-148118133-C-A. GRCh37 (hg19) VCF-style: chr7-147815225-C-A.
Other names: short protein forms A800D.
Identifiers: ClinVar variation 841144 (VCV000841144.10), dbSNP rs780607411, ClinGen allele CA369927191.

ClinVar aggregate classification (germline): Uncertain significance (1 of 4 stars; one submission).

Conditions:
Cortical dysplasia-focal epilepsy syndrome (PTHSL1). Also called: Pitt-Hopkins-like syndrome 1. Identifiers: Orphanet 163681, Orphanet 221150, MedGen C2750246, MONDO:0012400, OMIM 610042.

Submission:

Labcorp Genetics (formerly Invitae), Labcorp
Classification: Uncertain significance for Cortical dysplasia-focal epilepsy syndrome. Last evaluated: 2019-12-03. Review status: criteria provided, single submitter. Criteria: Invitae Variant Classification Sherloc (09022015). Collection method: clinical testing. Allele origin: germline.
Comment: In summary, the available evidence is currently insufficient to determine the role of this variant in disease. Therefore, it has been classified as a Variant of Uncertain Significance. Algorithms developed to predict the effect of missense changes on protein structure and function (SIFT, PolyPhen-2, Align-GVGD) all suggest that this variant is likely to be disruptive, but these predictions have not been confirmed by published functional studies and their clinical significance is uncertain. This variant has not been reported in the literature in individuals with CNTNAP2-related conditions. This variant is not present in population databases (ExAC no frequency). This sequence change replaces alanine with aspartic acid at codon 800 of the CNTNAP2 protein (p.Ala800Asp). The alanine residue is highly conserved and there is a moderate physicochemical difference between alanine and aspartic acid.